The following is an entry in ClinVar:

ClinVar aggregate classification (germline): Conflicting classifications of pathogenicity. Review status: criteria provided, conflicting classifications (1 of 4 stars). 5 submissions from 5 submitters: Uncertain significance (4); Likely benign (1). Last evaluated 2025-01-21.

Allele frequency attached by ClinVar (database versions not stated): gnomAD 0.00005 and 0.00006; ExAC 0.00006; gnomAD exomes 0.00004 and 0.00008; TOPMed 0.00004.
gnomAD v4.1: 74 of 1,613,348 alleles (0.0046%); highest among the groups gnomAD compares: Middle Eastern, 0.033%; no homozygotes.

Submissions (5):

Labcorp Genetics (formerly Invitae), Labcorp
Classification: Uncertain significance for Combined immunodeficiency due to DOCK8 deficiency. Last evaluated: 2025-01-21. Review status: criteria provided, single submitter. Criteria: Invitae Variant Classification Sherloc (09022015). Collection method: clinical testing. Allele origin: germline.
Comment: This sequence change replaces isoleucine, which is neutral and non-polar, with valine, which is neutral and non-polar, at codon 927 of the DOCK8 protein (p.Ile927Val). This variant is present in population databases (rs759239515, gnomAD 0.1%). This variant has not been reported in the literature in individuals affected with DOCK8-related conditions. ClinVar contains an entry for this variant (Variation ID: 450175). An algorithm developed to predict the effect of missense changes on protein structure and function outputs the following: PolyPhen-2: "Benign". The valine amino acid residue is found in multiple mammalian species, which suggests that this missense change does not adversely affect protein function. In summary, the available evidence is currently insufficient to determine the role of this variant in disease. Therefore, it has been classified as a Variant of Uncertain Significance.

Blueprint Genetics
Classification: Uncertain significance. Last evaluated: 2024-05-29. Review status: criteria provided, single submitter. Criteria: ACMG Guidelines, 2015. Collection method: clinical testing. Allele origin: germline.

Genetic Services Laboratory, University of Chicago
Classification: Uncertain significance. Last evaluated: 2023-02-22. Review status: criteria provided, single submitter. Criteria: ACMG Guidelines, 2015. Collection method: clinical testing. Allele origin: germline. Affected: no.
Comment: DNA sequence analysis of the DOCK8 gene demonstrated a sequence change, c.2779A>G, in exon 23 that results in an amino acid change, p.Ile927Val. This sequence change does not appear to have been previously described in individuals with DOCK8-related disorders. This sequence change has been described in the gnomAD database with a frequency of 0.14% in the Ashkenazi Jewish subpopulation and 0.007% in the overall population (dbSNP rs759239515). The p.Ile927Val change affects a poorly conserved amino acid residue located in a domain of the DOCK8 protein that is not known to be functional. The p.Ile927Val substitution appears to be benign using several in-silico pathogenicity prediction tools (SIFT, PolyPhen2, Align GVGD, REVEL). Due to insufficient evidences and the lack of functional studies, the clinical significance of the p.Ile927Val change remains unknown at this time.

GeneDx
Classification: Uncertain significance. Last evaluated: 2022-10-07. Review status: criteria provided, single submitter. Criteria: GeneDx Variant Classification Process June 2021. Collection method: clinical testing. Allele origin: germline. Affected: yes.
Comment: In silico analysis supports that this missense variant does not alter protein structure/function; Has not been previously published as pathogenic or benign to our knowledge

CeGaT Center for Human Genetics Tuebingen
Classification: Likely benign. Last evaluated: 2022-06-01. Review status: criteria provided, single submitter. Criteria: CeGaT Center For Human Genetics Tuebingen Variant Classification Criteria Version 2. Collection method: clinical testing. Allele origin: germline. Affected: yes. Observed: 1 variant allele.
Comment: DOCK8: BP4, BP5

NM_203447.4(DOCK8):c.2779A>G (p.Ile927Val)

Gene: DOCK8 (dedicator of cytokinesis 8; plus strand). Cytogenetic location: 9p24.3.
Variant type: single nucleotide variant.
Coding change: c.2779A>G on transcript NM_203447.4 (MANE Select); coding-DNA position 2779, A replaced by G.
Protein change: p.Ile927Val; replaces isoleucine 927 with valine.
Molecular consequence: missense variant. On other transcripts: intron variant (1).
Genome position (GRCh38, 1-based): chr9:386,331, A>G. VCF-style: chr9-386331-A-G. GRCh37 (hg19) VCF-style: chr9-386331-A-G.
Other names: c.2575A>G, p.Ile859Val (NM_001193536.2); c.2574+3646A>G (NM_001190458.2); short protein forms I927V, I859V.
Identifiers: ClinVar variation 450175 (VCV000450175.37), dbSNP rs759239515, ClinGen allele CA4958350.